The following is an entry in ClinVar:

ClinVar aggregate classification (germline): Likely pathogenic (1 of 4 stars; one submission).

Conditions:
Ellis-van Creveld syndrome (EVC). Also called: Chondroectodermal dysplasia; EVC-Related Ellis-van Creveld Syndrome; EVC2-Related Ellis-van Creveld Syndrome; MESOECTODERMAL DYSPLASIA. Identifiers: Orphanet 289, MedGen C0013903, MONDO:0009162, OMIM 225500.

Submission:

Natera, Inc.
Classification: Likely pathogenic for Ellis-van Creveld syndrome. Last evaluated: 2026-01-08. Review status: criteria provided, single submitter. Criteria: Natera Variant Classification Schema (03/2026). Collection method: clinical testing. Allele origin: germline.
Comment: The c.2757_2758del variant in EVC is a frameshift variant predicted to shift the reading frame beginning at codon 920 and leads to a stop codon 3 codons downstream. This variant is expected to result in nonsense mediated decay, truncation, or a dysfunctional protein product. This variant is rare in the general population with a frequency below the threshold expected for the associated phenotype(s). Given the available evidence, this variant is classified as Likely Pathogenic.

NM_153717.3(EVC):c.2757_2758del (p.Leu920fs)

Gene: EVC (EvC ciliary complex subunit 1; plus strand). Cytogenetic location: 4p16.2.
Variant type: Deletion.
Coding change: c.2757_2758del on transcript NM_153717.3 (MANE Select); coding-DNA positions 2757 to 2758, 2 bases deleted (GT; older notation c.2757_2758delGT).
Protein change: p.Leu920fs; shifts the reading frame from leucine 920.
Molecular consequence: frameshift variant.
Genome position (GRCh38, 1-based): chr4:5,809,586-5,809,587, GT deleted; deleting any 2 consecutive bases within chr4:5,809,585-5,809,587 gives the same sequence; the c. name uses the placement nearest the transcript's 3' end. VCF-style (leftmost placement, unchanged base first): chr4-5809584-CTG-C. GRCh37 (hg19) VCF-style: chr4-5811311-CTG-C.
Other names: c.2757_2758del, p.Leu920fs (NM_001306090.2); short protein forms L920fs.
Identifiers: ClinVar variation 4816937 (VCV004816937.1).
Genomic context (GRCh38, chr4:5,809,584, plus strand): 5'-GAACAGAACTTCATCTCCGAGCTGGCAGCCTTGGCCCGAGTGCCCCTTGCTGAAAGCAAA[CTG>C]TTGCCTGCTAAGCGTGGGCTGCTAGGTGAGTCACAGATGCTTGAGTTGCAGCGGGAAGCA-3'